The following is an entry in ClinVar:

NM_001166108.2(PALLD):c.1462C>G (p.Arg488Gly)

Gene: PALLD (palladin, cytoskeletal associated protein; plus strand). Cytogenetic location: 4q32.3.
Variant type: single nucleotide variant.
Coding change: c.1462C>G on transcript NM_001166108.2 (MANE Select); coding-DNA position 1462, C replaced by G.
Protein change: p.Arg488Gly; replaces arginine 488 with glycine.
Molecular consequence: missense variant.
Genome position (GRCh38, 1-based): chr4:168,690,729, C>G. VCF-style: chr4-168690729-C-G. GRCh37 (hg19) VCF-style: chr4-169611880-C-G.
Other names: c.316C>G, p.Arg106Gly (NM_001166109.2); c.1462C>G, p.Arg488Gly (NM_016081.4); short protein forms R488G, R106G.
Identifiers: ClinVar variation 1773183 (VCV001773183.2), dbSNP rs116133384, ClinGen allele CA358796092.
Genomic context (GRCh38, chr4:168,690,729, plus strand): 5'-CCCCCTCTGCAGGTCCAGTGGTTTCGGCAAGGGAGTGAAATCCAAGACTCTCCAGATTTC[C>G]GAATTCTACAGAAAAGTAAGGAGAAGTGCCCATGTCCCCAAATCTGACCATTTTATTCTC-3'
Protein context (NP_001159580.1, residues 478-498): GSEIQDSPDF[Arg488Gly]ILQKKPRSTA

ClinVar aggregate classification (germline): Uncertain significance (1 of 4 stars; one submission).

Submission:

Ambry Genetics
Classification: Uncertain significance. Last evaluated: 2021-10-06. Review status: criteria provided, single submitter. Criteria: Ambry Variant Classification Scheme 2023. Collection method: clinical testing. Allele origin: germline.
Comment: The p.R488G variant (also known as c.1462C>G), located in coding exon 6 of the PALLD gene, results from a C to G substitution at nucleotide position 1462. The arginine at codon 488 is replaced by glycine, an amino acid with dissimilar properties. This amino acid position is conserved. In addition, this alteration is predicted to be deleterious by in silico analysis. Since supporting evidence is limited at this time, the clinical significance of this alteration remains unclear.